The following is an entry in ClinVar:

NC_000009.12:g.35657976G>C

Gene: RMRP (RNA component of mitochondrial RNA processing endoribonuclease; minus strand). Cytogenetic location: 9p13.3.
Variant type: single nucleotide variant.
Genome position: GRCh38 VCF-style: chr9-35657976-G-C. GRCh37 (hg19) VCF-style: chr9-35657973-G-C.
Identifiers: ClinVar variation 2186147 (VCV002186147.4), dbSNP rs981913573, ClinGen allele CA464450980.

ClinVar aggregate classification (germline): Uncertain significance (1 of 4 stars; one submission).

Conditions:
Anauxetic dysplasia. Identifiers: Orphanet 93347, MedGen C1846796, MONDO:0011773.

gnomAD v4.1: 2 of 700,458 alleles (0.00029%); highest among the groups gnomAD compares: East Asian, 0.0054%; no homozygotes.

Submission:

Labcorp Genetics (formerly Invitae), Labcorp
Classification: Uncertain significance for Anauxetic dysplasia. Last evaluated: 2024-10-16. Review status: criteria provided, single submitter. Criteria: Invitae Variant Classification Sherloc (09022015). Collection method: clinical testing. Allele origin: germline.
Comment: This variant occurs in the RMRP gene, which encodes an RNA molecule that does not result in a protein product. This variant is not present in population databases (gnomAD no frequency). This variant has not been reported in the literature in individuals affected with RMRP-related conditions. ClinVar contains an entry for this variant (Variation ID: 2186147). In summary, the available evidence is currently insufficient to determine the role of this variant in disease. Therefore, it has been classified as a Variant of Uncertain Significance.